The following is an entry in ClinVar:

NM_000329.3(RPE65):c.86A>G (p.His29Arg)

Gene: RPE65 (retinoid isomerohydrolase RPE65; minus strand). Cytogenetic location: 1p31.3.
Variant type: single nucleotide variant.
Coding change: c.86A>G on transcript NM_000329.3 (MANE Select); coding-DNA position 86, A replaced by G.
Protein change: p.His29Arg; replaces histidine 29 with arginine.
Molecular consequence: missense variant.
Genome position (GRCh38, 1-based): chr1:68,448,632, T>C on the plus strand (A>G on the coding strand, the complement: RPE65 is on the minus strand). VCF-style: chr1-68448632-T-C. GRCh37 (hg19) VCF-style: chr1-68914315-T-C.
Other names: c.86A>G, p.His29Arg (NM_001406853.1, NM_001406859.1, NM_001406860.1); c.-40A>G (NM_001406856.1); short protein forms H29R.
Identifiers: ClinVar variation 1709391 (VCV001709391.7), dbSNP rs2523458159, ClinGen allele CA340750080.
Genomic context (GRCh38, chr1:68,448,632, plus strand): 5'-GAGAAGAGAGACTGACATAAAAGAGGATGGCTTCAAGATGGGCGAGACCAACCTGTTACA[T>C]GAGCTGTGAGCGGCGAGGACAGTTCCTCCACAGTTTCAAACAGTTTCTTGTAACCACCAG-3'
Protein context (NP_000320.1, residues 19-39): VEELSSPLTA[His29Arg]VTGRIPLWLT

ClinVar aggregate classification (germline): Uncertain significance. Review status: criteria provided, multiple submitters, no conflicts (2 of 4 stars). 2 submissions from 2 submitters: Uncertain significance (2). Last evaluated 2025-10-08.

Conditions:
Retinitis pigmentosa 87 with choroidal involvement. Identifiers: MedGen C5231465, MONDO:0032873, OMIM 618697.
Leber congenital amaurosis 2 (LCA2). Also called: Autosomal Recessive RPE65-Related Retinal Degeneration; AMAUROSIS CONGENITA OF LEBER II. Identifiers: Orphanet 65, MedGen C1859844, MONDO:0008765, OMIM 204100. Disease mechanism: loss of function.
Retinitis pigmentosa 20 (RP20). Identifiers: Orphanet 791, MedGen C3151086, MONDO:0013425, OMIM 613794.

Submissions (2):

Labcorp Genetics (formerly Invitae), Labcorp
Classification: Uncertain significance for Leber congenital amaurosis 2; Retinitis pigmentosa 20. Last evaluated: 2025-10-08. Review status: criteria provided, single submitter. Criteria: Invitae Variant Classification Sherloc (09022015). Collection method: clinical testing. Allele origin: germline.
Comment: This sequence change replaces histidine, which is basic and polar, with arginine, which is basic and polar, at codon 29 of the RPE65 protein (p.His29Arg). This variant is not present in population databases (gnomAD no frequency). This variant has not been reported in the literature in individuals affected with RPE65-related conditions. ClinVar contains an entry for this variant (Variation ID: 1709391). Invitae Evidence Modeling of protein sequence and biophysical properties (such as structural, functional, and spatial information, amino acid conservation, physicochemical variation, residue mobility, and thermodynamic stability) indicates that this missense variant is not expected to disrupt RPE65 protein function with a negative predictive value of 80%. In summary, the available evidence is currently insufficient to determine the role of this variant in disease. Therefore, it has been classified as a Variant of Uncertain Significance.

MGZ Medical Genetics Center
Classification: Uncertain significance for Retinitis pigmentosa 87 with choroidal involvement. Last evaluated: 2022-06-28. Review status: criteria provided, single submitter. Criteria: ACMG Guidelines, 2015. Collection method: clinical testing. Allele origin: germline. Affected: yes. Observed: 1 variant allele.
Comment: ACMG criteria applied: PM2_SUP